The following is an entry in ClinVar:

ClinVar aggregate classification (germline): Uncertain significance (1 of 4 stars; one submission).

Conditions:
Malignant hyperthermia, susceptibility to, 5 (MHS5). Also called: CACNA1S-Related Malignant Hyperthermia Susceptibility. Identifiers: Orphanet 423, MedGen C1866077, MONDO:0011163, OMIM 601887.
Hypokalemic periodic paralysis, type 1. Also called: HypoPP; Hypokalemic Periodic Paralysis Type 1 (AD). Identifiers: Orphanet 681, MedGen C3714580, MONDO:0042979, OMIM 170400.

gnomAD v4.1: 9 of 1,610,464 alleles (0.00056%); highest among the groups gnomAD compares: Non-Finnish European, 0.00076%; no homozygotes.

Submission:

Labcorp Genetics (formerly Invitae), Labcorp
Classification: Uncertain significance for Hypokalemic periodic paralysis, type 1; Malignant hyperthermia, susceptibility to, 5. Last evaluated: 2023-12-01. Review status: criteria provided, single submitter. Criteria: Invitae Variant Classification Sherloc (09022015). Collection method: clinical testing. Allele origin: germline.
Comment: This sequence change falls in intron 32 of the CACNA1S gene. It does not directly change the encoded amino acid sequence of the CACNA1S protein. It affects a nucleotide within the consensus splice site. This variant is not present in population databases (gnomAD no frequency). This variant has not been reported in the literature in individuals affected with CACNA1S-related conditions. Variants that disrupt the consensus splice site are a relatively common cause of aberrant splicing (PMID: 17576681, 9536098). Algorithms developed to predict the effect of sequence changes on RNA splicing suggest that this variant may disrupt the consensus splice site. In summary, the available evidence is currently insufficient to determine the role of this variant in disease. Therefore, it has been classified as a Variant of Uncertain Significance.

Literature cited by the submitters: PubMed 17576681; PubMed 9536098.

NM_000069.3(CACNA1S):c.3953+5G>T

Gene: CACNA1S (calcium voltage-gated channel subunit alpha1 S; minus strand). Cytogenetic location: 1q32.1.
Variant type: single nucleotide variant.
Coding change: c.3953+5G>T on transcript NM_000069.3 (MANE Select); 5 bases into the intron after coding-DNA position 3953, G replaced by T.
Molecular consequence: intron variant.
Genome position (GRCh38, 1-based): chr1:201,052,552, C>A on the plus strand (G>T on the coding strand, the complement: CACNA1S is on the minus strand). VCF-style: chr1-201052552-C-A. GRCh37 (hg19) VCF-style: chr1-201021680-C-A.
Identifiers: ClinVar variation 2940714 (VCV002940714.3), dbSNP rs752722907, ClinGen allele CA082985.